The following is an entry in ClinVar:

NM_138409.4(MRAP2):c.289C>T (p.Pro97Ser)

Gene: MRAP2 (melanocortin 2 receptor accessory protein 2; plus strand). Cytogenetic location: 6q14.2.
Variant type: single nucleotide variant.
Coding change: c.289C>T on transcript NM_138409.4 (MANE Select); coding-DNA position 289, C replaced by T.
Protein change: p.Pro97Ser; replaces proline 97 with serine.
Molecular consequence: missense variant.
Genome position (GRCh38, 1-based): chr6:84,089,152, C>T. VCF-style: chr6-84089152-C-T. GRCh37 (hg19) VCF-style: chr6-84798871-C-T.
Other names: c.31C>T, p.Pro11Ser (NM_001346541.2); c.289C>T, p.Pro97Ser (NM_001346542.2, NM_001346544.2); c.124C>T, p.Pro42Ser (NM_001346543.2); c.289C>T (NM_138409.3); short protein forms P11S, P42S, P97S.
Identifiers: ClinVar variation 2456738 (VCV002456738.8), dbSNP rs145761372, ClinGen allele CA3909633.

ClinVar aggregate classification (germline): Uncertain significance. Review status: criteria provided, multiple submitters, no conflicts (2 of 4 stars). 3 submissions from 3 submitters: Uncertain significance (2). 1 of the submissions does not count toward it. Last evaluated 2025-11-09.

Conditions:
MRAP2-related disorder. Also called: MRAP2-related condition.

Allele frequency attached by ClinVar (database versions not stated): 1000 Genomes Project 30x 0.00031; 1000 Genomes Project 0.00040; gnomAD exomes 0.00002; ExAC 0.00008; TOPMed 0.00031; ESP Exome Variant Server 0.00038; gnomAD 0.00023.
gnomAD v4.1: 69 of 1,614,134 alleles (0.0043%); highest among the groups gnomAD compares: African/African-American, 0.087%; no homozygotes.

Submissions (3):

Labcorp Genetics (formerly Invitae), Labcorp
Classification: Uncertain significance. Last evaluated: 2025-11-09. Review status: criteria provided, single submitter. Criteria: Invitae Variant Classification Sherloc (09022015). Collection method: clinical testing. Allele origin: germline.
Comment: This sequence change replaces proline, which is neutral and non-polar, with serine, which is neutral and polar, at codon 97 of the MRAP2 protein (p.Pro97Ser). This variant is present in population databases (rs145761372, gnomAD 0.1%), and has an allele count higher than expected for a pathogenic variant. This variant has not been reported in the literature in individuals affected with MRAP2-related conditions. ClinVar contains an entry for this variant (Variation ID: 2456738). An algorithm developed to predict the effect of missense changes on protein structure and function (PolyPhen-2) suggests that this variant is likely to be disruptive. In summary, the available evidence is currently insufficient to determine the role of this variant in disease. Therefore, it has been classified as a Variant of Uncertain Significance.

Ambry Genetics
Classification: Uncertain significance. Last evaluated: 2025-06-25. Review status: criteria provided, single submitter. Criteria: Ambry Variant Classification Scheme 2023. Collection method: clinical testing. Allele origin: germline.

PreventionGenetics, part of Exact Sciences
Classification: Likely benign for MRAP2-related condition. Last evaluated: 2022-03-21. Review status: no assertion criteria provided. Collection method: clinical testing. Allele origin: germline. Not counted in ClinVar's aggregate classification.
Comment: This variant is classified as likely benign based on ACMG/AMP sequence variant interpretation guidelines (Richards et al. 2015 PMID: 25741868, with internal and published modifications).